The following is an entry in ClinVar:

NM_033380.3(COL4A5):c.4570T>G (p.Phe1524Val)

Gene: COL4A5 (collagen type IV alpha 5 chain; plus strand). Cytogenetic location: Xq22.3.
Variant type: single nucleotide variant.
Coding change: c.4570T>G on transcript NM_033380.3 (MANE Select); coding-DNA position 4570, T replaced by G.
Protein change: p.Phe1524Val; replaces phenylalanine 1524 with valine.
Molecular consequence: missense variant.
Genome position (GRCh38, 1-based): chrX:108,692,789, T>G. VCF-style: chrX-108692789-T-G. GRCh37 (hg19) VCF-style: chrX-107936019-T-G.
Other names: c.4552T>G, p.Phe1518Val (NM_000495.5); short protein forms F1518V, F1524V.
Identifiers: ClinVar variation 1312535 (VCV001312535.2), dbSNP rs2147998401, ClinGen allele CA413855374.
Genomic context (GRCh38, chrX:108,692,789, plus strand): 5'-TCTCTCCAAATCTTTCTAGGGACGGCTGGCAGCTGCCTTCGTCGCTTTAGTACCATGCCT[T>G]TCATGTTCTGCAACATCAATAATGTTTGCAACTTTGCTTCAAGAAATGACTATTCTTACT-3'
Protein context (NP_203699.1, residues 1514-1534): SCLRRFSTMP[Phe1524Val]MFCNINNVCN

ClinVar aggregate classification (germline): Uncertain significance (1 of 4 stars; one submission).

Submission:

GeneDx
Classification: Uncertain significance. Last evaluated: 2020-01-16. Review status: criteria provided, single submitter. Criteria: GeneDx Variant Classification Process June 2021. Collection method: clinical testing. Allele origin: germline. Affected: yes.
Comment: Not observed in large population cohorts (Lek et al., 2016); In silico analysis, which includes protein predictors and evolutionary conservation, supports a deleterious effect; Has not been previously published as pathogenic or benign to our knowledge